The following is an entry in ClinVar:

ClinVar aggregate classification (germline): Uncertain significance (1 of 4 stars; one submission).

Submission:

GeneDx
Classification: Uncertain significance. Last evaluated: 2025-06-25. Review status: criteria provided, single submitter. Criteria: GeneDx Variant Classification Process June 2021. Collection method: clinical testing. Allele origin: germline. Affected: yes.
Comment: Not observed at significant frequency in large population cohorts (gnomAD); In silico analysis supports that this missense variant has a deleterious effect on protein structure/function; Has not been previously published as pathogenic or benign to our knowledge

NM_001007527.2(LMBRD2):c.1784G>T (p.Arg595Leu)

Gene: LMBRD2 (LMBR1 domain containing 2; minus strand). Cytogenetic location: 5p13.2.
Variant type: single nucleotide variant.
Coding change: c.1784G>T on transcript NM_001007527.2 (MANE Select); coding-DNA position 1784, G replaced by T.
Protein change: p.Arg595Leu; replaces arginine 595 with leucine.
Molecular consequence: missense variant.
Genome position (GRCh38, 1-based): chr5:36,109,952, C>A on the plus strand (G>T on the coding strand, the complement: LMBRD2 is on the minus strand). VCF-style: chr5-36109952-C-A. GRCh37 (hg19) VCF-style: chr5-36110054-C-A.
Other names: short protein forms R595L.
Identifiers: ClinVar variation 4539882 (VCV004539882.1).